The following is an entry in ClinVar:

ClinVar aggregate classification (germline): Likely benign. Review status: criteria provided, multiple submitters, no conflicts (2 of 4 stars). 6 submissions from 5 submitters: Likely benign (6). Last evaluated 2026-01-20.

Conditions:
Usher syndrome type 2A. Also called: USHER SYNDROME, TYPE IIA; RETINAL DISEASE IN USHER SYNDROME TYPE IIA, MODIFIER OF. Identifiers: Orphanet 231178, Orphanet 886, MedGen C1848634, MONDO:0010169, OMIM 276901.
Retinitis pigmentosa 39 (RP39). Identifiers: Orphanet 791, MedGen C3151138, MONDO:0013436, OMIM 613809.

Allele frequency attached by ClinVar (database versions not stated): TOPMed 0.00025; gnomAD 0.00029 and 0.00030; ExAC 0.00050; gnomAD exomes 0.00053 and 0.00040; ESP Exome Variant Server 0.00031.
gnomAD v4.1: 831 of 1,612,686 alleles (0.052%); highest among the groups gnomAD compares: Non-Finnish European, 0.064%; 1 homozygote.

Submissions (6):

Labcorp Genetics (formerly Invitae), Labcorp
Classification: Likely benign. Last evaluated: 2026-01-20. Review status: criteria provided, single submitter. Criteria: Invitae Variant Classification Sherloc (09022015). Collection method: clinical testing. Allele origin: germline.

Blueprint Genetics
Classification: Likely benign. Last evaluated: 2024-10-23. Review status: criteria provided, single submitter. Criteria: ACMG Guidelines, 2015. Collection method: clinical testing. Allele origin: germline.

Genome-Nilou Lab
Classification: Likely benign for Retinitis pigmentosa 39. Last evaluated: 2023-11-04. Review status: criteria provided, single submitter. Criteria: ACMG Guidelines, 2015. Collection method: clinical testing. Allele origin: germline. Affected: no.

Genome-Nilou Lab
Classification: Likely benign for Usher syndrome type 2A. Last evaluated: 2023-11-04. Review status: criteria provided, single submitter. Criteria: ACMG Guidelines, 2015. Collection method: clinical testing. Allele origin: germline. Affected: no.

GeneDx
Classification: Likely benign. Last evaluated: 2021-04-01. Review status: criteria provided, single submitter. Criteria: GeneDx Variant Classification Process June 2021. Collection method: clinical testing. Allele origin: germline. Affected: yes.

Laboratory for Molecular Medicine, Mass General Brigham Personalized Medicine
Classification: Likely benign. Last evaluated: 2016-06-20. Review status: criteria provided, single submitter. Criteria: LMM Criteria. Collection method: clinical testing. Allele origin: germline. Observed: 2 variant alleles.
Comment: p.Asp3165Asp in exon 48 of USH2A: This variant is not expected to have clinical significance because it does not alter an amino acid residue and it is not locat ed near a splice junction. It has been identified in 48/66668 European chromoso mes by the Exome Aggregation Consortium (ExAC; d bSNP rs41305094).

NM_206933.4(USH2A):c.9495T>C (p.Asp3165=)

Gene: USH2A (usherin; minus strand). Cytogenetic location: 1q41.
Variant type: single nucleotide variant.
Coding change: c.9495T>C on transcript NM_206933.4 (MANE Select); coding-DNA position 9495, T replaced by C.
Protein change: p.Asp3165=; no amino-acid change (aspartic acid 3165 retained).
Molecular consequence: synonymous variant.
Genome position (GRCh38, 1-based): chr1:215,817,072, A>G on the plus strand (T>C on the coding strand, the complement: USH2A is on the minus strand). VCF-style: chr1-215817072-A-G. GRCh37 (hg19) VCF-style: chr1-215990414-A-G.
Identifiers: ClinVar variation 48629 (VCV000048629.19), dbSNP rs41305094, ClinGen allele CA143666.
Genomic context (GRCh38, chr1:215,817,072, plus strand): 5'-ATAGCAAATGTGTCCACAGATAGATTCAGGTTTTTGACACCTCACTGCCTTGCAGAGCTC[A>G]TCACTCTGATCCTGCACTAACTTTTGAGTTTTAGCGCATGGATACCATGTTTTCCATAGG-3'
Protein context (NP_996816.3, residues 3155-3175): KTQKLVQDQS[Asp3165=]ELCKAVRCQK